The following is an entry in ClinVar:

NM_032756.4(HPDL):c.553G>T (p.Gly185Cys)

Gene: HPDL (4-hydroxyphenylpyruvate dioxygenase like; plus strand). Cytogenetic location: 1p34.1.
Variant type: single nucleotide variant.
Coding change: c.553G>T on transcript NM_032756.4 (MANE Select); coding-DNA position 553, G replaced by T.
Protein change: p.Gly185Cys; replaces glycine 185 with cysteine.
Molecular consequence: missense variant.
Genome position (GRCh38, 1-based): chr1:45,327,701, G>T. VCF-style: chr1-45327701-G-T. GRCh37 (hg19) VCF-style: chr1-45793373-G-T.
Other names: short protein forms G185C.
Identifiers: ClinVar variation 3900394 (VCV003900394.2).

ClinVar aggregate classification (germline): Likely pathogenic (1 of 4 stars; one submission).

gnomAD v4.1: 16 of 1,610,872 alleles (0.00099%); highest among the groups gnomAD compares: Admixed American, 0.023%; no homozygotes.

Submission:

GeneDx
Classification: Likely pathogenic. Last evaluated: 2025-12-04. Review status: criteria provided, single submitter. Criteria: GeneDx Variant Classification Process June 2021. Collection method: clinical testing. Allele origin: germline.
Comment: In silico analysis supports that this missense variant has a deleterious effect on protein structure/function; Has not been previously published as pathogenic or benign to our knowledge